The following is an entry in ClinVar:

ClinVar aggregate classification (germline): Benign. Review status: criteria provided, multiple submitters, no conflicts (2 of 4 stars). 4 submissions from 4 submitters: Benign (4). Last evaluated 2024-07-31.

Conditions:
Dyskinesia with orofacial involvement, autosomal dominant (DSKOD). Also called: Familial dyskinesia and facial myokymia; Familial Dyskinesia with Facial Myokymia (FDFM); Dyskinesia, familial, with facial myokymia. Identifiers: Orphanet 324588, MedGen C1847627, MONDO:0800028, OMIM 606703.

Allele frequency attached by ClinVar (database versions not stated): 1000 Genomes Project 0.99720; 1000 Genomes Project 30x 0.99735; TOPMed 0.99740; gnomAD 0.99753 and 0.99768.
gnomAD v4.1: 1,519,923 of 1,520,582 alleles (100%); highest among the groups gnomAD compares: Middle Eastern, 100%; 759,638 homozygotes.

Submissions (4):

Unidad de Genómica Garrahan, Hospital de Pediatría Garrahan
Classification: Benign. Last evaluated: 2024-07-31. Review status: criteria provided, single submitter. Criteria: ACMG Guidelines, 2015. Collection method: clinical testing. Allele origin: germline. Affected: no. Observed: 48 variant alleles.
Comment: This variant is classified as Benign based on local population frequency. This variant was detected in 52% of patients studied in a panel designed for Epileptic and Developmental Encephalopathy, Progressive Myoclonus Epilepsy and Abnormal Movements and Neurodegeneration with brain iron accumulation. Number of patients: 48. Only high quality variants are reported.

Genome-Nilou Lab
Classification: Benign for Dyskinesia with orofacial involvement, autosomal dominant. Last evaluated: 2021-07-14. Review status: criteria provided, single submitter. Criteria: ACMG Guidelines, 2015. Collection method: clinical testing. Allele origin: germline. Affected: no.

GeneDx
Classification: Benign. Last evaluated: 2018-07-05. Review status: criteria provided, single submitter. Criteria: GeneDx Variant Classification Process June 2021. Collection method: clinical testing. Allele origin: germline. Affected: yes.

Breakthrough Genomics
Classification: Benign. Review status: criteria provided, single submitter. Criteria: ACMG Guidelines, 2015. Collection method: not provided. Allele origin: germline. Inheritance: Autosomal recessive inheritance. Affected: yes.

NM_183357.3(ADCY5):c.3532+78A>C

Gene: ADCY5 (adenylate cyclase 5; minus strand). Cytogenetic location: 3q21.1.
Variant type: single nucleotide variant.
Coding change: c.3532+78A>C on transcript NM_183357.3 (MANE Select); 78 bases into the intron after coding-DNA position 3532, A replaced by C.
Molecular consequence: intron variant.
Genome position (GRCh38, 1-based): chr3:123,289,672, T>G on the plus strand (A>C on the coding strand, the complement: ADCY5 is on the minus strand). VCF-style: chr3-123289672-T-G. GRCh37 (hg19) VCF-style: chr3-123008519-T-G.
Other names: c.3607+78A>C (NM_001378259.1); c.2482+78A>C (NM_001199642.1).
Identifiers: ClinVar variation 1188956 (VCV001188956.7), dbSNP rs4677881, ClinGen allele CA82902875.
Genomic context (GRCh38, chr3:123,289,672, plus strand): 5'-ACCACATCAGCCTCTGCTGCCGCCTGGCCTTCTACCTTGGGACCACAATGGCGGATGCGG[T>G]ATGGGGTATGGGGGAGCCCCTGCCAGCCCTCTGCCTGACTGCACCCTGGGCTCAGCACTC-3'